The following is an entry in ClinVar:

ClinVar aggregate classification (germline): Pathogenic (1 of 4 stars; one submission).

Conditions:
Polycystic kidney disease, adult type (PKD1). Also called: Polycystic Kidney, Autosomal Dominant; POLYCYSTIC KIDNEY DISEASE, ADULT, TYPE I; Polycystic Kidney Disease 1, Autosomal Dominant; Polycystic kidney disease 1; Polycystic kidney disease 1, severe; POLYCYSTIC KIDNEY DISEASE 1 WITH OR WITHOUT POLYCYSTIC LIVER DISEASE. Identifiers: MedGen C3149841, MONDO:0008263, OMIM 173900.

Submission:

Women's Health and Genetics/Laboratory Corporation of America, LabCorp
Classification: Pathogenic for Polycystic kidney disease, adult type. Last evaluated: 2026-05-15. Review status: criteria provided, single submitter. Criteria: LabCorp Variant Classification Summary - May 2015. Collection method: clinical testing. Allele origin: germline.
Comment: Variant summary: PKD1 c.5555_5570del16 (p.Val1852GlyfsX92) results in a premature termination codon, predicted to cause a truncation of the encoded protein or absence of the protein due to nonsense mediated decay, which are commonly known mechanisms for disease. The variant was absent in 242818 control chromosomes. To our knowledge, no occurrence of c.5555_5570del16 in individuals affected with PKD1-related conditions and no experimental evidence demonstrating its impact on protein function have been reported. No submitters have cited clinical-significance assessments for this variant to ClinVar. Based on the evidence outlined above, the variant was classified as pathogenic.

NM_001009944.3(PKD1):c.5555_5570del (p.Val1852fs)

Gene: PKD1 (polycystin 1, transient receptor potential channel interacting; minus strand). Cytogenetic location: 16p13.3.
Variant type: Deletion.
Coding change: c.5555_5570del on transcript NM_001009944.3 (MANE Select); coding-DNA positions 5555 to 5570, 16 bases deleted (TCACCATGGTCTTCCC).
Protein change: p.Val1852fs; shifts the reading frame from valine 1852.
Molecular consequence: frameshift variant.
Genome position (GRCh38, 1-based): chr16:2,109,597-2,109,612, GGGAAGACCATGGTGA deleted on the plus strand (TCACCATGGTCTTCCC on the coding strand, the reverse complement: PKD1 is on the minus strand). VCF-style (leftmost placement, unchanged base first): chr16-2109596-CGGGAAGACCATGGTGA-C. GRCh37 (hg19) VCF-style: chr16-2159597-CGGGAAGACCATGGTGA-C.
Other names: c.5555_5570del16 (NM_001009944.3); c.5555_5570del, p.Val1852fs (NM_000296.4); short protein forms V1852fs.
Identifiers: ClinVar variation 4853052 (VCV004853052.1).